The following is an entry in ClinVar:

ClinVar aggregate classification (germline): Likely benign (1 of 4 stars; one submission).

Conditions:
Hidrotic ectodermal dysplasia syndrome (GJB6). Also called: Ectodermal dysplasia 2, hidrotic; Autosomal dominant hidrotic ectodermal dysplasia; Clouston syndrome; Clouston's hidrotic ectodermal dysplasia; Hidrotic ectodermal dysplasia; ECTODERMAL DYSPLASIA 2, CLOUSTON TYPE. Identifiers: Orphanet 189, MedGen C0162361, MONDO:0007510, OMIM 129500.

Allele frequency attached by ClinVar (database versions not stated): 1000 Genomes Project 30x 0.00078; gnomAD 0.00086; 1000 Genomes Project 0.00060; TOPMed 0.00078.

Submission:

Illumina Laboratory Services, Illumina
Classification: Likely benign for Hidrotic ectodermal dysplasia syndrome. Last evaluated: 2018-01-13. Review status: criteria provided, single submitter. Criteria: ICSL Variant Classification Criteria 13 December 2019. Collection method: clinical testing. Allele origin: germline.
Comment: This variant was observed in the ICSL laboratory as part of a predisposition screen in an ostensibly healthy population. It had not been previously curated by ICSL or reported in the Human Gene Mutation Database (HGMD: prior to June 1st, 2018), and was therefore a candidate for classification through an automated scoring system. Utilizing variant allele frequency, disease prevalence and penetrance estimates, and inheritance mode, an automated score was calculated to assess if this variant is too frequent to cause the disease. Based on the score and internal cut-off values, a variant classified as likely benign is not then subjected to further curation. The score for this variant resulted in a classification of likely benign for this disease.

NM_001110219.3(GJB6):c.*613T>G

Gene: GJB6 (gap junction protein beta 6; minus strand). Cytogenetic location: 13q12.11.
Variant type: single nucleotide variant.
Coding change: c.*613T>G on transcript NM_001110219.3 (MANE Select); 613 bases downstream of the stop codon, T replaced by G.
Molecular consequence: 3 prime UTR variant.
Genome position (GRCh38, 1-based): chr13:20,222,082, A>C on the plus strand (T>G on the coding strand, the complement: GJB6 is on the minus strand). VCF-style: chr13-20222082-A-C. GRCh37 (hg19) VCF-style: chr13-20796221-A-C.
Other names: c.*613T>G (NM_001110220.3, NM_001110221.3, NM_001370090.1 and 3 more transcripts).
Identifiers: ClinVar variation 882775 (VCV000882775.4), dbSNP rs41292217, ClinGen allele CA246490114.